The following is an entry in ClinVar:

NM_001035.3(RYR2):c.2983A>G (p.Met995Val)

Gene: RYR2 (ryanodine receptor 2; plus strand). Cytogenetic location: 1q43.
Variant type: single nucleotide variant.
Coding change: c.2983A>G on transcript NM_001035.3 (MANE Select); coding-DNA position 2983, A replaced by G.
Protein change: p.Met995Val; replaces methionine 995 with valine.
Molecular consequence: missense variant.
Genome position (GRCh38, 1-based): chr1:237,548,507, A>G. VCF-style: chr1-237548507-A-G. GRCh37 (hg19) VCF-style: chr1-237711807-A-G.
Other names: c.2983A>G (NM_001035.2); short protein forms M995V.
Identifiers: ClinVar variation 2445856 (VCV002445856.2), dbSNP rs1670053754, ClinGen allele CA070638.
Genomic context (GRCh38, chr1:237,548,507, plus strand): 5'-GGATACAAGCCTGCCCCTATGGACCTGAGCTTTATCAAACTCACCCCATCACAAGAAGCA[A>G]TGGTGGACAAGTTGGCAGAAAATGCACATAATGTGTGGGCGCGGGATCGAATCCGGCAGG-3'
Protein context (NP_001026.2, residues 985-1005): FIKLTPSQEA[Met995Val]VDKLAENAHN

ClinVar aggregate classification (germline): Uncertain significance. Review status: criteria provided, multiple submitters, no conflicts (2 of 4 stars). 3 submissions from 3 submitters: Uncertain significance (3). Last evaluated 2025-10-19.

Conditions:
Cardiomyopathy (CMYO). Also called: Cardiomyopathies. Identifiers: Orphanet 167848, MedGen C0878544, MONDO:0004994, HP:0001638. Inheritance: Various modes of inheritance.
Catecholaminergic polymorphic ventricular tachycardia 1. Also called: VENTRICULAR TACHYCARDIA, STRESS-INDUCED POLYMORPHIC 1; VENTRICULAR TACHYCARDIA, CATECHOLAMINERGIC POLYMORPHIC, 1, WITH OR WITHOUT ATRIAL DYSFUNCTION AND/OR DILATED CARDIOMYOPATHY; RYR2-Related Catecholaminergic Polymorphic Ventricular Tachycardia. Identifiers: Orphanet 3286, MedGen C1631597, MONDO:0011484, OMIM 604772.

Allele frequency attached by ClinVar (database versions not stated): gnomAD exomes below 0.00001.
gnomAD v4.1: 2 of 1,614,026 alleles (0.00012%); highest among the groups gnomAD compares: Non-Finnish European, 0.00017%; no homozygotes.

Submissions (3):

Labcorp Genetics (formerly Invitae), Labcorp
Classification: Uncertain significance for Catecholaminergic polymorphic ventricular tachycardia 1. Last evaluated: 2025-10-19. Review status: criteria provided, single submitter. Criteria: Invitae Variant Classification Sherloc (09022015). Collection method: clinical testing. Allele origin: germline.
Comment: This sequence change replaces methionine, which is neutral and non-polar, with valine, which is neutral and non-polar, at codon 995 of the RYR2 protein (p.Met995Val). This variant is not present in population databases (gnomAD no frequency). This missense change has been observed in individual(s) with clinical features of RYR2-related conditions (PMID: 27839804). ClinVar contains an entry for this variant (Variation ID: 2445856). Invitae Evidence Modeling of protein sequence and biophysical properties (such as structural, functional, and spatial information, amino acid conservation, physicochemical variation, residue mobility, and thermodynamic stability) indicates that this missense variant is not expected to disrupt RYR2 protein function with a negative predictive value of 95%. In summary, the available evidence is currently insufficient to determine the role of this variant in disease. Therefore, it has been classified as a Variant of Uncertain Significance.

Color Diagnostics, LLC DBA Color Health
Classification: Uncertain significance for Cardiomyopathy. Last evaluated: 2025-07-02. Review status: criteria provided, single submitter. Criteria: ACMG Guidelines, 2015. Collection method: clinical testing. Allele origin: germline.
Comment: This missense variant replaces methionine with valine at codon 995 of the RYR2 protein. Computational prediction is inconclusive regarding the impact of this variant on protein structure and function. To our knowledge, functional studies have not been reported for this variant. This variant has been reported in two individual from one family affected with short-coupled variant of torsade de pointes (PMID: 27839804). This variant has not been identified in the general population by the Genome Aggregation Database (gnomAD). The available evidence is insufficient to determine the role of this variant in disease conclusively. Therefore, this variant is classified as a Variant of Uncertain Significance.

Women's Health and Genetics/Laboratory Corporation of America, LabCorp
Classification: Uncertain significance. Last evaluated: 2023-02-15. Review status: criteria provided, single submitter. Criteria: LabCorp Variant Classification Summary - May 2015. Collection method: clinical testing. Allele origin: germline.
Comment: Variant summary: RYR2 c.2983A>G (p.Met995Val) results in a conservative amino acid change located in the Ryanodine receptor Ryr domain (IPR003032) of the encoded protein sequence. Two of four in-silico tools predict a benign effect of the variant on protein function. The variant was absent in 249208 control chromosomes (ACMG PM2). c.2983A>G has been reported in the literature in two siblings affected with the short-coupled variant of torsade de pointes/polymorphic ventricular tachycardia and in a reportedly unaffected father (example, Kimura_2017). Since the penetrance of Catecholaminergic Polymorphic Ventricular Tachycardia due to this variant appears to be lower than expected, no conclusions can be drawn from these data. To our knowledge, no experimental evidence demonstrating an impact on protein function has been reported. No clinical diagnostic laboratories have submitted clinical-significance assessments for this variant to ClinVar after 2014. Based on the evidence outlined above, the variant was classified as uncertain significance.

Literature cited by the submitters: PubMed 27839804 (cited by 3 submitters).